The following is an entry in ClinVar:

ClinVar aggregate classification (germline): Uncertain significance. Review status: criteria provided, multiple submitters, no conflicts (2 of 4 stars). 5 submissions from 5 submitters: Uncertain significance (5). Last evaluated 2026-08-17.

Conditions:
CPT1A-related disorder. Also called: CPT1A-related condition.
Inborn genetic diseases. Identifiers: MedGen C0950123, MeSH D030342.
Carnitine palmitoyl transferase 1A deficiency. Also called: CPT I DEFICIENCY; CPT DEFICIENCY, HEPATIC, TYPE I; Carnitine palmitoyltransferase type I deficiency; CPT deficiency, hepatic, type IA; Carnitine palmitoyltransferase 1A deficiency. Identifiers: Orphanet 156, MedGen C1829703, MONDO:0009705, OMIM 255120.

Allele frequency attached by ClinVar (database versions not stated): 1000 Genomes Project 30x 0.00016; 1000 Genomes Project 0.00020; TOPMed 0.00024; ExAC 0.00027; gnomAD exomes 0.00028; gnomAD 0.00029; ESP Exome Variant Server 0.00038.
gnomAD v4.1: 432 of 1,614,170 alleles (0.027%); highest among the groups gnomAD compares: Non-Finnish European, 0.032%; no homozygotes.

Submissions (7):

PreventionGenetics, part of Exact Sciences
Classification: Uncertain significance for CPT1A-related condition. Last evaluated: 2026-08-17. Review status: criteria provided, single submitter. Criteria: ACMG Guidelines, 2015. Collection method: clinical testing. Allele origin: germline.
Comment: The CPT1A c.1876G>C variant is predicted to result in the amino acid substitution p.Val626Leu. To our knowledge, this variant has not been reported in the literature. This variant is reported in 0.052% of alleles in individuals of European (Finnish) descent in gnomAD. Although we suspect that this variant may be benign, at this time, the clinical significance of this variant is uncertain due to the absence of conclusive functional and genetic evidence.

ARUP Laboratories, Molecular Genetics and Genomics, ARUP Laboratories
Classification: Uncertain significance for Carnitine palmitoyl transferase 1A deficiency. Last evaluated: 2025-02-20. Review status: criteria provided, single submitter. Criteria: ARUP Molecular Germline Variant Investigation Process 2024. Collection method: clinical testing. Allele origin: germline.
Comment: The CPT1A c.1876G>C; p.Val626Leu variant (rs41302429), to our knowledge, is not reported in the medical literature but is reported in ClinVar (Variation ID: 1211543). This variant is found in the general population with an overall allele frequency of 0.03% (79/282,854 alleles) in the Genome Aggregation Database (v2.1.1). This variant occurs at the first nucleotide of exon 16 and computational analyses (Alamut Visual Plus v.1.12) predict that this variant may impact splicing by weakening the canonical acceptor splice site. However, given the lack of clinical and functional data, the significance of this variant is uncertain at this time.

Labcorp Genetics (formerly Invitae), Labcorp
Classification: Uncertain significance for Carnitine palmitoyl transferase 1A deficiency. Last evaluated: 2022-06-22. Review status: criteria provided, single submitter. Criteria: Invitae Variant Classification Sherloc (09022015). Collection method: clinical testing. Allele origin: germline.
Comment: This sequence change replaces valine, which is neutral and non-polar, with leucine, which is neutral and non-polar, at codon 626 of the CPT1A protein (p.Val626Leu). This variant is present in population databases (rs41302429, gnomAD 0.05%). This variant has not been reported in the literature in individuals affected with CPT1A-related conditions. ClinVar contains an entry for this variant (Variation ID: 1211543). Algorithms developed to predict the effect of missense changes on protein structure and function (SIFT, PolyPhen-2, Align-GVGD) all suggest that this variant is likely to be tolerated. Algorithms developed to predict the effect of sequence changes on RNA splicing suggest that this variant may disrupt the consensus splice site. In summary, the available evidence is currently insufficient to determine the role of this variant in disease. Therefore, it has been classified as a Variant of Uncertain Significance.

GeneDx
Classification: Uncertain significance. Last evaluated: 2021-05-25. Review status: criteria provided, single submitter. Criteria: GeneDx Variant Classification Process June 2021. Collection method: clinical testing. Allele origin: germline. Affected: yes.
Comment: Has not been previously published as pathogenic or benign to our knowledge; In silico analysis supports that this missense variant does not alter protein structure/function

Ambry Genetics
Classification: Uncertain significance for Inborn genetic diseases. Last evaluated: 2021-02-09. Review status: criteria provided, single submitter. Criteria: Ambry Variant Classification Scheme 2023. Collection method: clinical testing. Allele origin: germline.
Comment: The c.1876G>C (p.V626L) alteration is located in exon 16 (coding exon 15) of the CPT1A gene. This alteration results from a G to C substitution at nucleotide position 1876, causing the valine (V) at amino acid position 626 to be replaced by a leucine (L). The p.V626L alteration is predicted to be tolerated by in silico analysis. Based on insufficient or conflicting evidence, the clinical significance of this alteration remains unclear.

Dr. Peter K. Rogan Lab, Western University
No classification provided (evidence only). Condition: Gastric cancer. Review status: no classification provided. Collection method: in vitro. Allele origin: not applicable. Functional consequence: retained intron. Not counted in ClinVar's aggregate classification.

Dr. Peter K. Rogan Lab, Western University
No classification provided (evidence only). Condition: Lymphoma. Review status: no classification provided. Collection method: in vitro. Allele origin: not applicable. Functional consequence: retained intron. Not counted in ClinVar's aggregate classification.

NM_001876.4(CPT1A):c.1876G>C (p.Val626Leu)

Gene: CPT1A (carnitine palmitoyltransferase 1A; minus strand). Cytogenetic location: 11q13.3.
Variant type: single nucleotide variant.
Coding change: c.1876G>C on transcript NM_001876.4 (MANE Select); coding-DNA position 1876, G replaced by C.
Protein change: p.Val626Leu; replaces valine 626 with leucine.
Molecular consequence: missense variant.
Genome position (GRCh38, 1-based): chr11:68,761,687, C>G on the plus strand (G>C on the coding strand, the complement: CPT1A is on the minus strand). VCF-style: chr11-68761687-C-G. GRCh37 (hg19) VCF-style: chr11-68529155-C-G.
Other names: c.1876G>C, p.Val626Leu (NM_001031847.3); short protein forms V626L.
Identifiers: ClinVar variation 1211543 (VCV001211543.12), dbSNP rs41302429, ClinGen allele CA6152158.